The following is an entry in ClinVar:

ClinVar aggregate classification (germline): Uncertain significance (1 of 4 stars; one submission).

Allele frequency attached by ClinVar (database versions not stated): gnomAD exomes below 0.00001.
gnomAD v4.1: 5 of 1,549,016 alleles (0.00032%); highest among the groups gnomAD compares: Non-Finnish European, 0.00044%; no homozygotes.

Submission:

Labcorp Genetics (formerly Invitae), Labcorp
Classification: Uncertain significance. Last evaluated: 2024-11-05. Review status: criteria provided, single submitter. Criteria: Invitae Variant Classification Sherloc (09022015). Collection method: clinical testing. Allele origin: germline.
Comment: This sequence change replaces glutamine, which is neutral and polar, with proline, which is neutral and non-polar, at codon 2115 of the ZNF469 protein (p.Gln2115Pro). This variant is not present in population databases (gnomAD no frequency). This variant has not been reported in the literature in individuals affected with ZNF469-related conditions. ClinVar contains an entry for this variant (Variation ID: 2108326). An algorithm developed to predict the effect of missense changes on protein structure and function (PolyPhen-2) suggests that this variant is likely to be tolerated. In summary, the available evidence is currently insufficient to determine the role of this variant in disease. Therefore, it has been classified as a Variant of Uncertain Significance.

NM_001367624.2(ZNF469):c.6428A>C (p.Gln2143Pro)

Gene: ZNF469 (zinc finger protein 469; plus strand). Cytogenetic location: 16q24.2.
Variant type: single nucleotide variant.
Coding change: c.6428A>C on transcript NM_001367624.2 (MANE Select); coding-DNA position 6428, A replaced by C.
Protein change: p.Gln2143Pro; replaces glutamine 2143 with proline.
Molecular consequence: missense variant.
Genome position (GRCh38, 1-based): chr16:88,433,898, A>C. VCF-style: chr16-88433898-A-C. GRCh37 (hg19) VCF-style: chr16-88500306-A-C.
Other names: short protein forms Q2143P.
Identifiers: ClinVar variation 2108326 (VCV002108326.4), dbSNP rs2507593437, ClinGen allele CA397105866.